The following is an entry in ClinVar:

NM_001079802.2(FKTN):c.516C>G (p.His172Gln)

Gene: FKTN (fukutin; plus strand). Cytogenetic location: 9q31.2.
Variant type: single nucleotide variant.
Coding change: c.516C>G on transcript NM_001079802.2 (MANE Select); coding-DNA position 516, C replaced by G.
Protein change: p.His172Gln; replaces histidine 172 with glutamine.
Molecular consequence: missense variant. On other transcripts: non-coding transcript variant (2).
Genome position (GRCh38, 1-based): chr9:105,604,361, C>G. VCF-style: chr9-105604361-C-G. GRCh37 (hg19) VCF-style: chr9-108366642-C-G.
Other names: p.His172Gln; c.516C>G (NM_001079802.1); c.516C>G, p.His172Gln (NM_001198963.2, NM_001351496.2, NM_001351498.2 and 1 more transcripts); c.447C>G, p.His149Gln (NM_001351497.2); c.120C>G, p.His40Gln (NM_001351499.2, NM_001351500.2, NM_001351501.2 and 1 more transcripts); short protein forms H149Q, H172Q, H40Q.
Identifiers: ClinVar variation 1429120 (VCV001429120.8), dbSNP rs1436386821, ClinGen allele CA374332160.

ClinVar aggregate classification (germline): Uncertain significance. Review status: criteria provided, multiple submitters, no conflicts (2 of 4 stars). 3 submissions from 3 submitters: Uncertain significance (3). Last evaluated 2023-10-30.

Conditions:
Cardiovascular phenotype. Identifiers: MedGen CN230736.
Walker-Warburg congenital muscular dystrophy. Also called: Muscular dystrophy-dystroglycanopathy, type A; Walker-Warburg syndrome. Identifiers: Orphanet 899, MedGen C0265221, MONDO:0000171.

Allele frequency attached by ClinVar (database versions not stated): TOPMed below 0.00001; gnomAD 0.00001.
gnomAD v4.1: 1 of 1,614,028 alleles (0.000062%); highest among the groups gnomAD compares: African/African-American, 0.0013%; no homozygotes.

Submissions (3):

Mayo Clinic Laboratories, Mayo Clinic
Classification: Uncertain significance. Last evaluated: 2023-10-30. Review status: criteria provided, single submitter. Criteria: ACMG Guidelines, 2015. Collection method: clinical testing. Allele origin: germline. Observed: 1 variant allele.
Comment: PM2

Ambry Genetics
Classification: Uncertain significance for Cardiovascular phenotype. Last evaluated: 2023-09-30. Review status: criteria provided, single submitter. Criteria: Ambry Variant Classification Scheme 2023. Collection method: clinical testing. Allele origin: germline.
Comment: The p.H172Q variant (also known as c.516C>G), located in coding exon 4 of the FKTN gene, results from a C to G substitution at nucleotide position 516. The histidine at codon 172 is replaced by glutamine, an amino acid with highly similar properties. This amino acid position is conserved. In addition, the in silico prediction for this alteration is inconclusive. Since supporting evidence is limited at this time, the clinical significance of this alteration remains unclear.

Labcorp Genetics (formerly Invitae), Labcorp
Classification: Uncertain significance for Walker-Warburg congenital muscular dystrophy. Last evaluated: 2021-09-06. Review status: criteria provided, single submitter. Criteria: Invitae Variant Classification Sherloc (09022015). Collection method: clinical testing. Allele origin: germline.
Comment: This sequence change replaces histidine with glutamine at codon 172 of the FKTN protein (p.His172Gln). The histidine residue is highly conserved and there is a small physicochemical difference between histidine and glutamine. This variant is not present in population databases (ExAC no frequency). This variant has not been reported in the literature in individuals affected with FKTN-related conditions. Algorithms developed to predict the effect of missense changes on protein structure and function (SIFT, PolyPhen-2, Align-GVGD) all suggest that this variant is likely to be tolerated. Algorithms developed to predict the effect of sequence changes on RNA splicing suggest that this variant may create or strengthen a splice site. In summary, the available evidence is currently insufficient to determine the role of this variant in disease. Therefore, it has been classified as a Variant of Uncertain Significance.

Literature cited by the submitters: PubMed 15833426 (cited by Mayo Clinic Laboratories, Mayo Clinic); PubMed 22275357 (cited by Mayo Clinic Laboratories, Mayo Clinic).